The following is an entry in ClinVar:

ClinVar aggregate classification (germline): Uncertain significance (1 of 4 stars; one submission).

Conditions:
Cardiomyopathy (CMYO). Also called: Cardiomyopathies. Identifiers: Orphanet 167848, MedGen C0878544, MONDO:0004994, HP:0001638. Inheritance: Various modes of inheritance.

Submission:

Color Diagnostics, LLC DBA Color Health
Classification: Uncertain significance for Cardiomyopathy. Last evaluated: 2020-12-16. Review status: criteria provided, single submitter. Criteria: ACMG Guidelines, 2015. Collection method: clinical testing. Allele origin: germline.
Comment: This missense variant replaces threonine with alanine at codon 260 of the DSC2 protein. Computational prediction suggests that this variant may not impact protein structure and function (internally defined REVEL score threshold <= 0.5, PMID: 27666373). To our knowledge, functional studies have not been reported for this variant. This variant has not been reported in individuals affected with cardiovascular disorders in the literature. This variant has not been identified in the general population by the Genome Aggregation Database (gnomAD). The available evidence is insufficient to determine the role of this variant in disease conclusively. Therefore, this variant is classified as a Variant of Uncertain Significance.

NM_024422.6(DSC2):c.778A>G (p.Thr260Ala)

Gene: DSC2 (desmocollin 2; minus strand). Cytogenetic location: 18q12.1.
Variant type: single nucleotide variant.
Coding change: c.778A>G on transcript NM_024422.6 (MANE Select); coding-DNA position 778, A replaced by G.
Protein change: p.Thr260Ala; replaces threonine 260 with alanine.
Molecular consequence: missense variant.
Genome position (GRCh38, 1-based): chr18:31,086,740, T>C on the plus strand (A>G on the coding strand, the complement: DSC2 is on the minus strand). VCF-style: chr18-31086740-T-C. GRCh37 (hg19) VCF-style: chr18-28666703-T-C.
Other names: c.778A>G, p.Thr260Ala (NM_004949.5); short protein forms T260A.
Identifiers: ClinVar variation 1172275 (VCV001172275.2), dbSNP rs2144830965, ClinGen allele CA402112389.